The following is an entry in ClinVar:

NM_000414.4(HSD17B4):c.742C>G (p.Arg248Gly)

Gene: HSD17B4 (hydroxysteroid 17-beta dehydrogenase 4; plus strand). Cytogenetic location: 5q23.1.
Variant type: single nucleotide variant.
Coding change: c.742C>G on transcript NM_000414.4 (MANE Select); coding-DNA position 742, C replaced by G.
Protein change: p.Arg248Gly; replaces arginine 248 with glycine.
Molecular consequence: missense variant. On other transcripts: non-coding transcript variant (2).
Genome position (GRCh38, 1-based): chr5:119,493,820, C>G. VCF-style: chr5-119493820-C-G. GRCh37 (hg19) VCF-style: chr5-118829515-C-G.
Other names: c.817C>G, p.Arg273Gly (NM_001199291.3); c.688C>G, p.Arg230Gly (NM_001199292.2); c.670C>G, p.Arg224Gly (NM_001292027.2); c.322C>G, p.Arg108Gly (NM_001292028.2); c.733C>G, p.Arg245Gly (NM_001374497.1); c.742C>G, p.Arg248Gly (NM_001374498.1); c.415C>G, p.Arg139Gly (NM_001374499.1); c.301C>G, p.Arg101Gly (NM_001374500.1); and 1 more; short protein forms R111G, R101G, R108G, R224G, R248G, R139G, R230G, R273G.
Identifiers: ClinVar variation 1406932 (VCV001406932.6), dbSNP rs969485098, ClinGen allele CA360867149.

ClinVar aggregate classification (germline): Uncertain significance (1 of 4 stars; one submission).

Conditions:
Bifunctional peroxisomal enzyme deficiency (DBIF). Also called: DBP DEFICIENCY; PBFE DEFICIENCY; D-bifunctional protein deficiency. Identifiers: Orphanet 300, MedGen C0342870, MONDO:0009855, OMIM 261515. Disease mechanism: loss of function.
Perrault syndrome. Also called: Gonadal dysgenesis with auditory dysfunction, autosomal recessive inheritance. Identifiers: Orphanet 2855, MedGen C0685838, MONDO:0017312.

Submission:

Labcorp Genetics (formerly Invitae), Labcorp
Classification: Uncertain significance for Perrault syndrome; Bifunctional peroxisomal enzyme deficiency. Last evaluated: 2023-04-24. Review status: criteria provided, single submitter. Criteria: Invitae Variant Classification Sherloc (09022015). Collection method: clinical testing. Allele origin: germline.
Comment: This sequence change replaces arginine, which is basic and polar, with glycine, which is neutral and non-polar, at codon 248 of the HSD17B4 protein (p.Arg248Gly). In summary, the available evidence is currently insufficient to determine the role of this variant in disease. Therefore, it has been classified as a Variant of Uncertain Significance. This variant disrupts the p.Arg248 amino acid residue in HSD17B4. Other variant(s) that disrupt this residue have been determined to be pathogenic (PMID: 16385454, 23308274). This suggests that this residue is clinically significant, and that variants that disrupt this residue are likely to be disease-causing. Algorithms developed to predict the effect of sequence changes on RNA splicing suggest that this variant may disrupt the consensus splice site. An algorithm developed to predict the effect of missense changes on protein structure and function (PolyPhen-2) suggests that this variant is likely to be disruptive. ClinVar contains an entry for this variant (Variation ID: 1406932). This variant has not been reported in the literature in individuals affected with HSD17B4-related conditions. This variant is not present in population databases (gnomAD no frequency).

Literature cited by the submitters: PubMed 16385454; PubMed 23308274.